The following is an entry in ClinVar:

NM_001083961.2(WDR62):c.2971+138C>T

Gene: WDR62 (WD repeat domain 62; plus strand). Cytogenetic location: 19q13.12.
Variant type: single nucleotide variant.
Coding change: c.2971+138C>T on transcript NM_001083961.2 (MANE Select); 138 bases into the intron after coding-DNA position 2971, C replaced by T.
Molecular consequence: intron variant.
Genome position (GRCh38, 1-based): chr19:36,101,455, C>T. VCF-style: chr19-36101455-C-T. GRCh37 (hg19) VCF-style: chr19-36592357-C-T.
Other names: c.2971+138C>T (NM_173636.5).
Identifiers: ClinVar variation 676977 (VCV000676977.2), dbSNP rs116832568, ClinGen allele CA307841829.

ClinVar aggregate classification (germline): Benign. Review status: criteria provided, multiple submitters, no conflicts (2 of 4 stars). 2 submissions from 2 submitters: Benign (2). Last evaluated 2018-06-14.

Allele frequency attached by ClinVar (database versions not stated): gnomAD exomes 0.00241; 1000 Genomes Project 0.01837; gnomAD 0.01855 and 0.01990; 1000 Genomes Project 30x 0.01999; TOPMed 0.02144.
gnomAD v4.1: 4,701 of 895,858 alleles (0.52%); highest among the groups gnomAD compares: African/African-American, 6.3%; 130 homozygotes.

Submissions (2):

GeneDx
Classification: Benign. Last evaluated: 2018-06-14. Review status: criteria provided, single submitter. Criteria: GeneDx Variant Classification (06012015). Collection method: clinical testing. Allele origin: germline. Affected: yes.
Comment: This variant is considered likely benign or benign based on one or more of the following criteria: it is a conservative change, it occurs at a poorly conserved position in the protein, it is predicted to be benign by multiple in silico algorithms, and/or has population frequency not consistent with disease.

Breakthrough Genomics
Classification: Benign. Review status: criteria provided, single submitter. Criteria: ACMG Guidelines, 2015. Collection method: not provided. Allele origin: germline. Inheritance: Autosomal recessive inheritance. Affected: yes.